The following is an entry in ClinVar:

ClinVar aggregate classification (germline): Conflicting classifications of pathogenicity. Review status: criteria provided, conflicting classifications (1 of 4 stars). 3 submissions from 3 submitters: Uncertain significance (2); Likely benign (1). Last evaluated 2025-10-17.

Conditions:
Cardiomyopathy (CMYO). Also called: Cardiomyopathies. Identifiers: Orphanet 167848, MedGen C0878544, MONDO:0004994, HP:0001638. Inheritance: Various modes of inheritance.
Arrhythmogenic right ventricular dysplasia 11. Also called: Arrhythmogenic right ventricular dysplasia 11 with mild palmoplantar keratoderma and woolly hair; Arrhythmogenic Right Ventricular Dysplasia/Cardiomyopathy11; ARRHYTHMOGENIC RIGHT VENTRICULAR DYSPLASIA, FAMILIAL, 11. Identifiers: MedGen C1864850, MONDO:0012506, OMIM 610476.
Cardiovascular phenotype. Identifiers: MedGen CN230736.

Allele frequency attached by ClinVar (database versions not stated): TOPMed 0.00001; ExAC 0.00001; gnomAD exomes 0.00005 and 0.00001; gnomAD 0.00001.
gnomAD v4.1: 70 of 1,613,510 alleles (0.0043%); highest among the groups gnomAD compares: Non-Finnish European, 0.0055%; no homozygotes.

Submissions (3):

Labcorp Genetics (formerly Invitae), Labcorp
Classification: Uncertain significance for Arrhythmogenic right ventricular dysplasia 11. Last evaluated: 2025-10-17. Review status: criteria provided, single submitter. Criteria: Invitae Variant Classification Sherloc (09022015). Collection method: clinical testing. Allele origin: germline.
Comment: This sequence change replaces isoleucine, which is neutral and non-polar, with valine, which is neutral and non-polar, at codon 342 of the DSC2 protein (p.Ile342Val). This variant is present in population databases (rs746745677, gnomAD 0.002%). This missense change has been observed in individual(s) with arrhythmogenic right ventricular cardiomyopathy (PMID: 20152563). ClinVar contains an entry for this variant (Variation ID: 1444476). Invitae Evidence Modeling of protein sequence and biophysical properties (such as structural, functional, and spatial information, amino acid conservation, physicochemical variation, residue mobility, and thermodynamic stability) indicates that this missense variant is not expected to disrupt DSC2 protein function with a negative predictive value of 80%. In summary, the available evidence is currently insufficient to determine the role of this variant in disease. Therefore, it has been classified as a Variant of Uncertain Significance.

Ambry Genetics
Classification: Likely benign for Cardiovascular phenotype. Last evaluated: 2025-02-20. Review status: criteria provided, single submitter. Criteria: Ambry Variant Classification Scheme 2023. Collection method: clinical testing. Allele origin: germline.

Color Diagnostics, LLC DBA Color Health
Classification: Uncertain significance for Cardiomyopathy. Last evaluated: 2023-07-27. Review status: criteria provided, single submitter. Criteria: ACMG Guidelines, 2015. Collection method: clinical testing. Allele origin: germline.
Comment: This missense variant replaces isoleucine with valine at codon 342 of the DSC2 protein. Computational prediction suggests that this variant may not impact protein structure and function (internally defined REVEL score threshold <= 0.5, PMID: 27666373). To our knowledge, functional studies have not been reported for this variant. This variant has been reported in an individual affected with arrhythmogenic right ventricular cardiomyopathy (PMID: 20152563). This variant has been identified in 3/251052 chromosomes in the general population by the Genome Aggregation Database (gnomAD). The available evidence is insufficient to determine the role of this variant in disease conclusively. Therefore, this variant is classified as a Variant of Uncertain Significance.

Literature cited by the submitters: PubMed 20152563 (cited by 3 submitters); PubMed 28471438 (cited by Ambry Genetics).

NM_024422.6(DSC2):c.1024A>G (p.Ile342Val)

Gene: DSC2 (desmocollin 2; minus strand). Cytogenetic location: 18q12.1.
Variant type: single nucleotide variant.
Coding change: c.1024A>G on transcript NM_024422.6 (MANE Select); coding-DNA position 1024, A replaced by G.
Protein change: p.Ile342Val; replaces isoleucine 342 with valine.
Molecular consequence: missense variant.
Genome position (GRCh38, 1-based): chr18:31,082,979, T>C on the plus strand (A>G on the coding strand, the complement: DSC2 is on the minus strand). VCF-style: chr18-31082979-T-C. GRCh37 (hg19) VCF-style: chr18-28662945-T-C.
Other names: c.1024A>G, p.Ile342Val (NM_004949.5); short protein forms I342V.
Identifiers: ClinVar variation 1444476 (VCV001444476.13), dbSNP rs746745677, ClinGen allele CA029266.